The following is an entry in ClinVar:

ClinVar aggregate classification (germline): Uncertain significance (1 of 4 stars; one submission).

Conditions:
Long chain 3-hydroxyacyl-CoA dehydrogenase deficiency. Also called: LCHAD Deficiency; Deficiency of long-chain 3-hydroxyacyl-coenzyme A dehydrogenase. Identifiers: Orphanet 5, MedGen C3711645, MONDO:0012173, OMIM 609016.
Mitochondrial trifunctional protein deficiency. Identifiers: Orphanet 746, MedGen C1969443, MONDO:0012172.

Allele frequency attached by ClinVar (database versions not stated): TOPMed below 0.00001; gnomAD 0.00001; gnomAD exomes 0.00001; ExAC 0.00002.
gnomAD v4.1: 10 of 1,609,472 alleles (0.00062%); highest among the groups gnomAD compares: Non-Finnish European, 0.00068%; no homozygotes.

Submission:

Labcorp Genetics (formerly Invitae), Labcorp
Classification: Uncertain significance for Mitochondrial trifunctional protein deficiency; Long chain 3-hydroxyacyl-CoA dehydrogenase deficiency. Last evaluated: 2021-11-25. Review status: criteria provided, single submitter. Criteria: Invitae Variant Classification Sherloc (09022015). Collection method: clinical testing. Allele origin: germline.
Comment: This sequence change replaces lysine, which is basic and polar, with threonine, which is neutral and polar, at codon 262 of the HADHA protein (p.Lys262Thr). This variant is present in population databases (rs749959461, gnomAD 0.002%). This variant has not been reported in the literature in individuals affected with HADHA-related conditions. Algorithms developed to predict the effect of missense changes on protein structure and function are either unavailable or do not agree on the potential impact of this missense change (SIFT: "Deleterious"; PolyPhen-2: "Probably Damaging"; Align-GVGD: "Class C0"). In summary, the available evidence is currently insufficient to determine the role of this variant in disease. Therefore, it has been classified as a Variant of Uncertain Significance.

NM_000182.5(HADHA):c.785A>C (p.Lys262Thr)

Gene: HADHA (hydroxyacyl-CoA dehydrogenase trifunctional multienzyme complex subunit alpha; minus strand). Cytogenetic location: 2p23.3.
Variant type: single nucleotide variant.
Coding change: c.785A>C on transcript NM_000182.5 (MANE Select); coding-DNA position 785, A replaced by C.
Protein change: p.Lys262Thr; replaces lysine 262 with threonine.
Molecular consequence: missense variant.
Genome position (GRCh38, 1-based): chr2:26,215,067, T>G on the plus strand (A>C on the coding strand, the complement: HADHA is on the minus strand). VCF-style: chr2-26215067-T-G. GRCh37 (hg19) VCF-style: chr2-26437936-T-G.
Other names: short protein forms K262T.
Identifiers: ClinVar variation 2178282 (VCV002178282.1), dbSNP rs749959461, ClinGen allele CA1559789.